The following is an entry in ClinVar:

ClinVar aggregate classification (germline): Uncertain significance (1 of 4 stars; one submission).

Conditions:
Distal hereditary motor neuropathy type 2. Identifiers: Orphanet 139525, MedGen C3711384, MeSH C580044, MONDO:0015352.

gnomAD v4.1: 4 of 1,604,146 alleles (0.00025%); highest among the groups gnomAD compares: Non-Finnish European, 0.00017%; no homozygotes.

Submission:

Labcorp Genetics (formerly Invitae), Labcorp
Classification: Uncertain significance for Distal hereditary motor neuropathy type 2. Last evaluated: 2023-10-30. Review status: criteria provided, single submitter. Criteria: Invitae Variant Classification Sherloc (09022015). Collection method: clinical testing. Allele origin: germline.
Comment: This sequence change replaces arginine, which is basic and polar, with glutamine, which is neutral and polar, at codon 649 of the FBXO38 protein (p.Arg649Gln). This variant is not present in population databases (gnomAD no frequency). This variant has not been reported in the literature in individuals affected with FBXO38-related conditions. Advanced modeling of protein sequence and biophysical properties (such as structural, functional, and spatial information, amino acid conservation, physicochemical variation, residue mobility, and thermodynamic stability) performed at Invitae indicates that this missense variant is not expected to disrupt FBXO38 protein function with a negative predictive value of 80%. In summary, the available evidence is currently insufficient to determine the role of this variant in disease. Therefore, it has been classified as a Variant of Uncertain Significance.

NM_205836.3(FBXO38):c.1946G>A (p.Arg649Gln)

Gene: FBXO38 (F-box protein 38; plus strand). Cytogenetic location: 5q32.
Variant type: single nucleotide variant.
Coding change: c.1946G>A on transcript NM_205836.3 (MANE Select); coding-DNA position 1946, G replaced by A.
Protein change: p.Arg649Gln; replaces arginine 649 with glutamine.
Molecular consequence: missense variant. On other transcripts: intron variant (1).
Genome position (GRCh38, 1-based): chr5:148,427,240, G>A. VCF-style: chr5-148427240-G-A. GRCh37 (hg19) VCF-style: chr5-147806803-G-A.
Other names: c.1946G>A, p.Arg649Gln (NM_030793.5); c.1918+1539G>A (NM_001271723.2); short protein forms R649Q.
Identifiers: ClinVar variation 2783829 (VCV002783829.3), dbSNP rs2531809281, ClinGen allele CA361656185.
Genomic context (GRCh38, chr5:148,427,240, plus strand): 5'-TTCCTCGGGCCGTTCTTCTTTTTCTATAAGCAGTAAGTGGAAAAGGCAAGACTCCACTTC[G>A]AAAGAGGTACAACTCCCATCAGATGGGCCAGTCGAAGCAGTTTCCCCTCGAGGAAAGCAG-3'
Protein context (NP_995308.1, residues 639-659): SVSGKGKTPL[Arg649Gln]KRYNSHQMGQ